The following is an entry in ClinVar:

NM_003998.4(NFKB1):c.2080G>A (p.Val694Met)

Gene: NFKB1 (nuclear factor kappa B subunit 1; plus strand). Cytogenetic location: 4q24.
Variant type: single nucleotide variant.
Coding change: c.2080G>A on transcript NM_003998.4 (MANE Select); coding-DNA position 2080, G replaced by A.
Protein change: p.Val694Met; replaces valine 694 with methionine.
Molecular consequence: missense variant.
Genome position (GRCh38, 1-based): chr4:102,607,275, G>A. VCF-style: chr4-102607275-G-A. GRCh37 (hg19) VCF-style: chr4-103528432-G-A.
Other names: c.2077G>A, p.Val693Met (NM_001165412.2, NM_001319226.2, NM_001382627.1); c.2080G>A, p.Val694Met (NM_001382625.1, NM_001382626.1); c.2038G>A, p.Val680Met (NM_001382628.1); short protein forms V680M, V693M, V694M.
Identifiers: ClinVar variation 1523226 (VCV001523226.8), dbSNP rs2149221878, ClinGen allele CA357752537.

ClinVar aggregate classification (germline): Uncertain significance (1 of 4 stars; one submission).

Submission:

Labcorp Genetics (formerly Invitae), Labcorp
Classification: Uncertain significance. Last evaluated: 2022-09-01. Review status: criteria provided, single submitter. Criteria: Invitae Variant Classification Sherloc (09022015). Collection method: clinical testing. Allele origin: germline.
Comment: This sequence change replaces valine, which is neutral and non-polar, with methionine, which is neutral and non-polar, at codon 694 of the NFKB1 protein (p.Val694Met). This variant is not present in population databases (gnomAD no frequency). This variant has not been reported in the literature in individuals affected with NFKB1-related conditions. ClinVar contains an entry for this variant (Variation ID: 1523226). Algorithms developed to predict the effect of missense changes on protein structure and function are either unavailable or do not agree on the potential impact of this missense change (SIFT: "Deleterious"; PolyPhen-2: "Benign"; Align-GVGD: "Class C0"). In summary, the available evidence is currently insufficient to determine the role of this variant in disease. Therefore, it has been classified as a Variant of Uncertain Significance.